The following is an entry in ClinVar:

ClinVar aggregate classification (germline): Uncertain significance (1 of 4 stars; one submission).

Submission:

Labcorp Genetics (formerly Invitae), Labcorp
Classification: Uncertain significance. Last evaluated: 2022-09-14. Review status: criteria provided, single submitter. Criteria: Invitae Variant Classification Sherloc (09022015). Collection method: clinical testing. Allele origin: germline.
Comment: This sequence change replaces valine, which is neutral and non-polar, with phenylalanine, which is neutral and non-polar, at codon 476 of the CAMK2A protein (p.Val476Phe). This variant is not present in population databases (gnomAD no frequency). This variant has not been reported in the literature in individuals affected with CAMK2A-related conditions. ClinVar contains an entry for this variant (Variation ID: 1378315). Algorithms developed to predict the effect of missense changes on protein structure and function are either unavailable or do not agree on the potential impact of this missense change (SIFT: "Deleterious"; PolyPhen-2: "Probably Damaging"; Align-GVGD: "Class C0"). In summary, the available evidence is currently insufficient to determine the role of this variant in disease. Therefore, it has been classified as a Variant of Uncertain Significance.

NM_015981.4(CAMK2A):c.1426G>T (p.Val476Phe)

Gene: CAMK2A (calcium/calmodulin dependent protein kinase II alpha; minus strand). Cytogenetic location: 5q32.
Variant type: single nucleotide variant.
Coding change: c.1426G>T on transcript NM_015981.4 (MANE Select); coding-DNA position 1426, G replaced by T.
Protein change: p.Val476Phe; replaces valine 476 with phenylalanine.
Molecular consequence: missense variant.
Genome position (GRCh38, 1-based): chr5:150,223,029, C>A on the plus strand (G>T on the coding strand, the complement: CAMK2A is on the minus strand). VCF-style: chr5-150223029-C-A. GRCh37 (hg19) VCF-style: chr5-149602592-C-A.
Other names: c.1426G>T, p.Val476Phe (NM_001363989.1); c.1393G>T, p.Val465Phe (NM_001363990.1, NM_001369025.2, NM_171825.3); short protein forms V465F, V476F.
Identifiers: ClinVar variation 1378315 (VCV001378315.6), dbSNP rs764264581, ClinGen allele CA361739066.